The following is an entry in ClinVar:

NM_006912.6(RIT1):c.244T>G (p.Phe82Val)

Gene: RIT1 (Ras like without CAAX 1; minus strand). Cytogenetic location: 1q22.
Variant type: single nucleotide variant.
Coding change: c.244T>G on transcript NM_006912.6 (MANE Select); coding-DNA position 244, T replaced by G.
Protein change: p.Phe82Val; replaces phenylalanine 82 with valine.
Molecular consequence: missense variant.
Genome position (GRCh38, 1-based): chr1:155,904,496, A>C on the plus strand (T>G on the coding strand, the complement: RIT1 is on the minus strand). VCF-style: chr1-155904496-A-C. GRCh37 (hg19) VCF-style: chr1-155874287-A-C.
Other names: c.136T>G, p.Phe46Val (NM_001256820.2); c.295T>G, p.Phe99Val (NM_001256821.2); c.244T>G (NM_006912.4); c.244T>G, p.Phe82Val (LRG_1372t1); short protein forms F82V, F99V, F46V.
Identifiers: ClinVar variation 183408 (VCV000183408.28), dbSNP rs869025194, ClinGen allele CA353883.

ClinVar aggregate classification (germline): Pathogenic. Review status: criteria provided, multiple submitters, no conflicts (2 of 4 stars). 19 submissions from 19 submitters: Pathogenic (16). 3 of the submissions do not count toward it. Last evaluated 2025-10-29.

Conditions:
RIT1-related disorder. Also called: RIT1-related condition.
Noonan syndrome and Noonan-related syndrome. Identifiers: Orphanet 98733, MedGen C5681679, MONDO:0020297.
Cardiovascular phenotype. Identifiers: MedGen CN230736.
Noonan syndrome 8 (NS8). Identifiers: Orphanet 648, MedGen C3809233, MONDO:0014143, OMIM 615355.
RASopathy. Also called: rasopathies; Noonan spectrum disorder. Identifiers: Orphanet 536391, MedGen C5555857, MONDO:0021060.
Noonan syndrome (NS). Also called: Noonan's syndrome. Identifiers: Orphanet 648, MedGen C0028326, MeSH D009634, MONDO:0018997. Disease mechanism: gain of function.

Submissions 1 to 12 of 19:

Greenwood Genetic Center Diagnostic Laboratories, Greenwood Genetic Center
Classification: Pathogenic for Noonan syndrome 8. Last evaluated: 2025-10-29. Review status: criteria provided, single submitter. Criteria: ACMG Guidelines, 2015. Collection method: clinical testing. Allele origin: germline. Affected: yes.
Comment: PS1, PS3, PS4, PM1, PM2, PM5, PP3

Labcorp Genetics (formerly Invitae), Labcorp
Classification: Pathogenic for Noonan syndrome 8. Last evaluated: 2025-01-12. Review status: criteria provided, single submitter. Criteria: Invitae Variant Classification Sherloc (09022015). Collection method: clinical testing. Allele origin: germline.
Comment: This sequence change replaces phenylalanine, which is neutral and non-polar, with valine, which is neutral and non-polar, at codon 82 of the RIT1 protein (p.Phe82Val). This variant is not present in population databases (gnomAD no frequency). This missense change has been observed in individual(s) with Noonan syndrome (PMID: 23791108, 24939608, 25049390, 26757980, 27101134). In at least one individual the variant was observed to be de novo. ClinVar contains an entry for this variant (Variation ID: 183408). Invitae Evidence Modeling of protein sequence and biophysical properties (such as structural, functional, and spatial information, amino acid conservation, physicochemical variation, residue mobility, and thermodynamic stability) indicates that this missense variant is expected to disrupt RIT1 protein function with a positive predictive value of 95%. Experimental studies have shown that this missense change affects RIT1 function (PMID: 25049390, 26714497, 27226556). This variant disrupts the p.Phe82 amino acid residue in RIT1. Other variant(s) that disrupt this residue have been determined to be pathogenic (internal data). This suggests that this residue is clinically significant, and that variants that disrupt this residue are likely to be disease-causing. For these reasons, this variant has been classified as Pathogenic.

Dasa
Classification: Pathogenic. Last evaluated: 2024-10-15. Review status: criteria provided, single submitter. Criteria: DASA Assertion Criteria. Collection method: clinical testing. Allele origin: germline.
Comment: NM_006912.6(RIT1):c.244T>G (p.Phe82Val) is a missense variant that results in the substitution of phenylalanine with valine. The affected residue or protein region has prior evidence supporting clinical relevance. De novo occurrence has been reported in an individual with related phenotype. Functional evidence supports a deleterious effect on the gene or gene product (PMID: 27226556; PMID: 26714497; PMID: 27101134; PMID: 23791108; PMID: 26757980). This variant has been recurrently observed in individuals with related phenotype (PMID: 27226556; PMID: 26714497; PMID: 27101134; PMID: 23791108; PMID: 26757980). Multiple computational predictions support a deleterious effect on the gene or gene product. Based on the available data, this variant is classified as pathogenic.

Revvity Omics, Revvity
Classification: Pathogenic for Noonan syndrome 8. Last evaluated: 2024-07-23. Review status: criteria provided, single submitter. Criteria: ACMG Guidelines, 2015. Collection method: clinical testing. Allele origin: germline.

Institute of Medical Genetics and Applied Genomics, University Hospital Tübingen
Classification: Pathogenic for Noonan syndrome 8. Last evaluated: 2024-04-08. Review status: criteria provided, single submitter. Criteria: ACMG Guidelines, 2015. Collection method: clinical testing. Allele origin: de novo. Inheritance: Autosomal dominant inheritance. Affected: yes.

Genomic Medicine Center of Excellence, King Faisal Specialist Hospital and Research Centre
Classification: Pathogenic for Noonan syndrome 8. Last evaluated: 2024-03-14. Review status: criteria provided, single submitter. Criteria: ACMG Guidelines, 2015. Collection method: clinical testing. Allele origin: germline.

Blueprint Genetics
Classification: Pathogenic for RIT1-related disorders. Last evaluated: 2024-03-07. Review status: criteria provided, single submitter. Criteria: ACMG Guidelines, 2015. Collection method: clinical testing. Allele origin: germline. Affected: yes. Observed: 4 variant alleles.

Genome-Nilou Lab
Classification: Pathogenic for Noonan syndrome 8. Last evaluated: 2023-04-11. Review status: criteria provided, single submitter. Criteria: ACMG Guidelines, 2015. Collection method: clinical testing. Allele origin: germline. Affected: no.

3billion
Classification: Pathogenic for Noonan syndrome 8. Last evaluated: 2022-09-01. Review status: criteria provided, single submitter. Criteria: ACMG Guidelines, 2015. Collection method: clinical testing. Allele origin: germline. Affected: yes. Observed: 1 heterozygote.
Comment: The variant is not observed in the gnomAD v2.1.1 dataset. It is located in a mutational hot spot and/or well-established functional domain in which established pathogenic variants have been reported. Missense changes are a common disease-causing mechanism. In silico tool predictions suggest damaging effect of the variant on gene or gene product (REVEL: 0.94; 3Cnet: 1.00). Same nucleotide change resulting in same amino acid change has been previously reported as pathogenic/likely pathogenic with strong evidence (ClinVar ID: VCV000183408). The variant has been previously reported as de novo in a similarly affected individual (PMID: 23791108). Different missense changes at the same codon (p.Phe82Cys, p.Phe82Ile, p.Phe82Leu, p.Phe82Ser) have been reported as pathogenic/likely pathogenic with strong evidence (ClinVar ID: VCV000181522 , VCV000183406 , VCV000183407 , VCV000370035 , VCV000372863 , VCV000694696). Therefore, this variant is classified as Pathogenic according to the recommendation of ACMG/AMP guideline.

GeneDx
Classification: Pathogenic. Last evaluated: 2022-02-02. Review status: criteria provided, single submitter. Criteria: GeneDx Variant Classification Process June 2021. Collection method: clinical testing. Allele origin: germline. Affected: yes.
Comment: Functional studies demonstrate that the F82V variant results in enhanced p-ERK levels in comparison to wild-type (Chen et al., 2014; Fang et al., 2016) and increased Elk1 transactivation (Yaoita et al., 2016); Not observed in large population cohorts (gnomAD); In silico analysis supports that this missense variant has a deleterious effect on protein structure/function; This variant is associated with the following publications: (PMID: 26714497, 26757980, 32860008, 25049390, 23791108, 23765226, 24939608, 27226556, 27101134, 25959749, 27109146, 26446362, 34426522, 34008892)

Women's Health and Genetics/Laboratory Corporation of America, LabCorp
Classification: Pathogenic for RASopathy. Last evaluated: 2021-10-03. Review status: criteria provided, single submitter. Criteria: LabCorp Variant Classification Summary - May 2015. Collection method: clinical testing. Allele origin: germline.
Comment: Variant summary: RIT1 c.244T>G (p.Phe82Val) results in a non-conservative amino acid change located in the Small GTP-binding protein domain (IPR005525), also referred to as the Switch II domain (Cave_2016) of the encoded protein sequence. Five of five in-silico tools predict a damaging effect of the variant on protein function. The variant was absent in 250842 control chromosomes. c.244T>G has been reported in the literature in multiple well phenotyped and comprehensively genotyped individuals affected with Noonan Syndrome (example, Aoki_2013, Chen_2014, Gos_2014, Cave_2016, Kouz_2016, Yaoita_2016). These data indicate that the variant is very likely to be associated with disease. Multiple publications report experimental evidence evaluating an impact on protein function. The most pronounced variant effect results in stimulation of ELK transcription (Yaoita_2016), promotes ERK activation (Chen_2014) and reduction in the rate of GTP hydrolysis (Fang_2016) consistent with a gain of function mechanism. Three clinical diagnostic laboratories have submitted clinical-significance assessments for this variant to ClinVar after 2014 without evidence for independent evaluation. All laboratories classified the variant as pathogenic (n=2)/likely pathogenic (n=1). Based on the evidence outlined above, the variant was classified as pathogenic.

Laboratory of Medical Genetics, National & Kapodistrian University of Athens
Classification: Pathogenic for Noonan syndrome 8. Last evaluated: 2021-10-01. Review status: criteria provided, single submitter. Criteria: ACMG Guidelines, 2015. Collection method: clinical testing. Allele origin: unknown. Affected: yes.
Comment: PS3, PM1, PM2, PP2, PP3, PP4, PP5